The following is an entry in ClinVar:

NM_006767.4(LZTR1):c.775del (p.Glu259fs)

Gene: LZTR1 (leucine zipper like post translational regulator 1; plus strand). Cytogenetic location: 22q11.21.
Variant type: Deletion.
Coding change: c.775del on transcript NM_006767.4 (MANE Select); coding-DNA position 775, one base deleted (G; older notation c.775delG).
Protein change: p.Glu259fs; shifts the reading frame from glutamic acid 259.
Molecular consequence: frameshift variant.
Genome position (GRCh38, 1-based): chr22:20,990,509, G deleted. VCF-style (leftmost placement, unchanged base first): chr22-20990508-TG-T. GRCh37 (hg19) VCF-style: chr22-21344797-TG-T.
Other names: short protein forms E259fs.
Identifiers: ClinVar variation 3541573 (VCV003541573.1).

ClinVar aggregate classification (germline): Pathogenic (1 of 4 stars; one submission).

Conditions:
Hereditary cancer-predisposing syndrome. Also called: Hereditary Cancer Syndrome; Hereditary neoplastic syndrome; Tumor predisposition; Neoplastic Syndromes, Hereditary. Identifiers: Orphanet 140162, MedGen C0027672, MeSH D009386, MONDO:0015356.
Cardiovascular phenotype. Identifiers: MedGen CN230736.

Submission:

Ambry Genetics
Classification: Pathogenic for Cardiovascular phenotype; Hereditary cancer-predisposing syndrome. Last evaluated: 2024-07-15. Review status: criteria provided, single submitter. Criteria: Ambry Variant Classification Scheme 2023. Collection method: clinical testing. Allele origin: germline.
Comment: The c.775delG pathogenic mutation, located in coding exon 8 of the LZTR1 gene, results from a deletion of one nucleotide at nucleotide position 775, causing a translational frameshift with a predicted alternate stop codon (p.E259Nfs*92). This alteration is expected to result in loss of function by premature protein truncation or nonsense-mediated mRNA decay. Loss-of-function variants in LZTR1 are related to an increased risk for schwannomas and autosomal recessive Noonan syndrome; however, such associations with autosomal dominant Noonan syndrome have not been observed (Piotrowski A et al. Nat Genet. 2014 Feb;46:182-7; Yamamoto GL et al. J Med Genet. 2015 Jun;52:413-21; Johnston JJ et al. Genet Med. 2018 10;20:1175-1185). Based on the supporting evidence, this variant is pathogenic for an increased risk of LZTR1-related schwannomatosis (SWN) and would be expected to cause autosomal recessive Noonan syndrome when present along with a second pathogenic or likely pathogenic variant on the other allele; however, the association of this alteration with autosomal dominant Noonan syndrome is unlikely.